The following is an entry in ClinVar:

ClinVar aggregate classification (germline): Uncertain significance. Review status: criteria provided, multiple submitters, no conflicts (2 of 4 stars). 4 submissions from 4 submitters: Uncertain significance (4). Last evaluated 2024-04-12.

Conditions:
Neurodevelopmental disorder with microcephaly, hypotonia, and variable brain anomalies (NMIHBA). Identifiers: Orphanet 544469, MedGen C4479566, MONDO:0060490, OMIM 617481.

Allele frequency attached by ClinVar (database versions not stated): 1000 Genomes Project 30x 0.00031; 1000 Genomes Project 0.00040; ExAC 0.00044; TOPMed 0.00050; gnomAD 0.00055 and 0.00058; gnomAD exomes 0.00056; ESP Exome Variant Server 0.00062.

Submissions (4):

Fulgent Genetics
Classification: Uncertain significance for Neurodevelopmental disorder with microcephaly, hypotonia, and variable brain anomalies. Last evaluated: 2024-04-12. Review status: criteria provided, single submitter. Criteria: ACMG Guidelines, 2015. Collection method: clinical testing. Allele origin: germline.

Mayo Clinic Laboratories, Mayo Clinic
Classification: Uncertain significance. Last evaluated: 2023-03-28. Review status: criteria provided, single submitter. Criteria: ACMG Guidelines, 2015. Collection method: clinical testing. Allele origin: germline. Observed: 1 variant allele.
Comment: BS1

Labcorp Genetics (formerly Invitae), Labcorp
Classification: Uncertain significance. Last evaluated: 2022-07-30. Review status: criteria provided, single submitter. Criteria: Invitae Variant Classification Sherloc (09022015). Collection method: clinical testing. Allele origin: germline.
Comment: This sequence change replaces histidine, which is basic and polar, with arginine, which is basic and polar, at codon 19 of the PRUNE1 protein (p.His19Arg). This variant is present in population databases (rs138499343, gnomAD 0.1%), and has an allele count higher than expected for a pathogenic variant. This variant has not been reported in the literature in individuals affected with PRUNE1-related conditions. ClinVar contains an entry for this variant (Variation ID: 1029812). Algorithms developed to predict the effect of missense changes on protein structure and function are either unavailable or do not agree on the potential impact of this missense change (SIFT: "Tolerated"; PolyPhen-2: "Probably Damaging"; Align-GVGD: "Class C0"). In summary, the available evidence is currently insufficient to determine the role of this variant in disease. Therefore, it has been classified as a Variant of Uncertain Significance.

Baylor Genetics
Classification: Uncertain significance for Neurodevelopmental disorder with microcephaly, hypotonia, and variable brain anomalies. Last evaluated: 2019-04-11. Review status: criteria provided, single submitter. Criteria: ACMG Guidelines, 2015. Collection method: clinical testing. Allele origin: unknown. Affected: yes.
Comment: This variant was determined to be of uncertain significance according to ACMG Guidelines, 2015 [PMID:25741868].

NM_021222.3(PRUNE1):c.56A>G (p.His19Arg)

Gene: PRUNE1 (prune exopolyphosphatase 1; plus strand). Cytogenetic location: 1q21.3.
Variant type: single nucleotide variant.
Coding change: c.56A>G on transcript NM_021222.3 (MANE Select); coding-DNA position 56, A replaced by G.
Protein change: p.His19Arg; replaces histidine 19 with arginine.
Molecular consequence: missense variant. On other transcripts: 5 prime UTR variant (2), non-coding transcript variant (3).
Genome position (GRCh38, 1-based): chr1:151,017,828, A>G. VCF-style: chr1-151017828-A-G. GRCh37 (hg19) VCF-style: chr1-150990304-A-G.
Other names: p.His19Arg; c.-288A>G (NM_001303229.2); c.56A>G, p.His19Arg (NM_001303242.2); c.-204A>G (NM_001303243.2); short protein forms H19R.
Identifiers: ClinVar variation 1029812 (VCV001029812.5), dbSNP rs138499343, ClinGen allele CA1083674.
Genomic context (GRCh38, chr1:151,017,828, plus strand): 5'-AATAGAGATACTTTTGTTAGTTTCCCATTTTCCTTTCTCTCCAGGAGTCCCGACCTCTAC[A>G]TGTTGTGCTGGGAAATGAAGCCTGTGATTTGGACTCCACAGTGTCTGCTCTTGCCCTGGC-3'
Protein context (NP_067045.1, residues 9-29): RAALQESRPL[His19Arg]VVLGNEACDL